The following is an entry in ClinVar:

NM_006015.6(ARID1A):c.5739C>G (p.Asp1913Glu)

Gene: ARID1A (AT-rich interaction domain 1A; plus strand). Cytogenetic location: 1p36.11.
Variant type: single nucleotide variant.
Coding change: c.5739C>G on transcript NM_006015.6 (MANE Select); coding-DNA position 5739, C replaced by G.
Protein change: p.Asp1913Glu; replaces aspartic acid 1913 with glutamic acid.
Molecular consequence: missense variant.
Genome position (GRCh38, 1-based): chr1:26,779,637, C>G. VCF-style: chr1-26779637-C-G. GRCh37 (hg19) VCF-style: chr1-27106128-C-G.
Other names: c.5088C>G, p.Asp1696Glu (NM_139135.4); short protein forms D1696E, D1913E.
Identifiers: ClinVar variation 3621910 (VCV003621910.4).

ClinVar aggregate classification (germline): Conflicting classifications of pathogenicity. Review status: criteria provided, conflicting classifications (1 of 4 stars). 2 submissions from 2 submitters: Uncertain significance (1); Benign (1). Last evaluated 2025-12-24.

Conditions:
Intellectual disability, autosomal dominant 14 (CSS2). Also called: COFFIN-SIRIS SYNDROME 2. Identifiers: Orphanet 1465, MedGen C3553247, MONDO:0013819, OMIM 614607.

Submissions (2):

Labcorp Genetics (formerly Invitae), Labcorp
Classification: Benign. Last evaluated: 2025-12-24. Review status: criteria provided, single submitter. Criteria: Invitae Variant Classification Sherloc (09022015). Collection method: clinical testing. Allele origin: germline.

Dasa
Classification: Uncertain significance for Intellectual disability, autosomal dominant 14. Last evaluated: 2025-06-20. Review status: criteria provided, single submitter. Criteria: DASA Assertion Criteria. Collection method: clinical testing. Allele origin: germline.
Comment: NM_006015.6(ARID1A):c.5739C>G (p.Asp1913Glu) is a missense variant that results in the substitution of aspartic acid with glutamic acid. This variant is absent from population databases. Computational prediction algorithms are consistent with a benign effect. The currently available literature and clinical evidence are not sufficient to establish a definitive association between this variant and the reported condition. Therefore, this variant is classified as a variant of uncertain significance.